The following is an entry in ClinVar:

ClinVar aggregate classification (germline): Likely benign. Review status: criteria provided, multiple submitters, no conflicts (2 of 4 stars). 4 submissions from 4 submitters: Likely benign (3). 1 of the submissions does not count toward it. Last evaluated 2026-09-01.

Conditions:
SLC5A7-related disorder. Also called: SLC5A7-related condition.
Congenital myasthenic syndrome 20. Also called: Myasthenic syndrome, congenital, 20, presynaptic. Identifiers: MedGen C4310694, MONDO:0014939, OMIM 617143.
Neuronopathy, distal hereditary motor, type 7A. Also called: HARPER-YOUNG MYOPATHY; HMN VIIA; SPINAL MUSCULAR ATROPHY, DISTAL, WITH VOCAL CORD PARALYSIS; Neuronopathy, distal hereditary motor, type viia; NEURONOPATHY, DISTAL HEREDITARY MOTOR, HARDING TYPE VIIA; NEUROPATHY, DISTAL HEREDITARY MOTOR, HARDING TYPE VIIA. Identifiers: Orphanet 139589, MedGen C1834703, MONDO:0008024, OMIM 158580.

Allele frequency attached by ClinVar (database versions not stated): gnomAD 0.00001; TOPMed 0.00003; gnomAD exomes 0.00005 and 0.00011; ExAC 0.00013.
gnomAD v4.1: 28 of 1,612,800 alleles (0.0017%); highest among the groups gnomAD compares: Admixed American, 0.047%; no homozygotes.

Submissions (4):

CeGaT Center for Human Genetics Tuebingen
Classification: Likely benign. Last evaluated: 2026-09-01. Review status: criteria provided, single submitter. Criteria: CeGaT Center For Human Genetics Tuebingen Variant Classification Criteria Version 2. Collection method: clinical testing. Allele origin: germline. Affected: yes. Observed: 2 variant alleles.
Comment: SLC5A7: BP4, BP7

Women's Health and Genetics/Laboratory Corporation of America, LabCorp
Classification: Likely benign. Last evaluated: 2026-03-05. Review status: criteria provided, single submitter. Criteria: LabCorp Variant Classification Summary - May 2015. Collection method: clinical testing. Allele origin: germline.

Labcorp Genetics (formerly Invitae), Labcorp
Classification: Likely benign for Neuronopathy, distal hereditary motor, type 7A; Congenital myasthenic syndrome 20. Last evaluated: 2025-10-13. Review status: criteria provided, single submitter. Criteria: Invitae Variant Classification Sherloc (09022015). Collection method: clinical testing. Allele origin: germline.

PreventionGenetics, part of Exact Sciences
Classification: Likely benign for SLC5A7-related condition. Last evaluated: 2022-09-12. Review status: no assertion criteria provided. Collection method: clinical testing. Allele origin: germline. Not counted in ClinVar's aggregate classification.
Comment: This variant is classified as likely benign based on ACMG/AMP sequence variant interpretation guidelines (Richards et al. 2015 PMID: 25741868, with internal and published modifications).

NM_021815.5(SLC5A7):c.192A>T (p.Gly64=)

Gene: SLC5A7 (solute carrier family 5 member 7; plus strand). Cytogenetic location: 2q12.3.
Variant type: single nucleotide variant.
Coding change: c.192A>T on transcript NM_021815.5 (MANE Select); coding-DNA position 192, A replaced by T.
Protein change: p.Gly64=; no amino-acid change (glycine 64 retained).
Molecular consequence: synonymous variant. On other transcripts: 5 prime UTR variant (2).
Genome position (GRCh38, 1-based): chr2:107,992,119, A>T. VCF-style: chr2-107992119-A-T. GRCh37 (hg19) VCF-style: chr2-108608575-A-T.
Other names: c.192A>T (NM_021815.4); c.192A>T, p.Gly64= (NM_001305005.3); c.-124A>T (NM_001305006.3); c.-513A>T (NM_001305007.3).
Identifiers: ClinVar variation 703260 (VCV000703260.54), dbSNP rs773790295, ClinGen allele CA1818908.